The following is an entry in ClinVar:

ClinVar aggregate classification (germline): Pathogenic. Review status: reviewed by expert panel (3 of 4 stars). 3 submissions from 3 submitters: Pathogenic (1). 2 of the submissions do not count toward it. Last evaluated 2017-12-15.

Conditions:
Inherited breast cancer and ovarian cancer.
Breast-ovarian cancer, familial, susceptibility to, 2 (BROVCA2). Also called: BRCA2 Hereditary Breast and Ovarian Cancer. Identifiers: Orphanet 145, MedGen C2675520, MONDO:0012933, OMIM 612555. Disease mechanism: loss of function.
Familial cancer of breast. Also called: hereditary breast carcinoma; BREAST CANCER, FAMILIAL; Hereditary breast cancer. Identifiers: Orphanet 227535, MedGen C0346153, MONDO:0016419, OMIM 114480. Disease mechanism: loss of function.

Submissions (3):

Evidence-based Network for the Interpretation of Germline Mutant Alleles (ENIGMA)
Classification: Pathogenic for Breast-ovarian cancer, familial, susceptibility to, 2. Last evaluated: 2017-12-15. Review status: reviewed by expert panel. Criteria: ENIGMA BRCA1/2 Classification Criteria (2017-06-29). Collection method: curation. Allele origin: germline. Study: ENIGMA.
Comment: Variant allele predicted to encode a truncated non-functional protein.

Genetics Laboratory, Great Ormond Street Hospital NHS Foundation Trust, North Thames Genomic Laboratory Hub
Classification: Pathogenic for Inherited breast cancer and ovarian cancer. Last evaluated: 2026-09-23. Review status: criteria provided, single submitter. Criteria: CanVIG BRCA Gene Specific V1.22. Collection method: clinical testing. Allele origin: germline. Affected: yes. Not counted in ClinVar's aggregate classification.
Comment: PM2_supporting, PVS1_very-strong, PM5_strong

ClinVar Staff, National Center for Biotechnology Information (NCBI)
No classification provided. Condition: Familial cancer of breast. Review status: no classification provided. Collection method: literature only. Allele origin: germline. Affected: yes. Not counted in ClinVar's aggregate classification.

Literature cited by the submitters: PubMed 12942367 (cited by ClinVar Staff, National Center for Biotechnology Information (NCBI)).

NM_000059.4(BRCA2):c.8415_8416del (p.Leu2805fs)

Gene: BRCA2 (BRCA2 DNA repair associated; plus strand). Cytogenetic location: 13q13.1.
Variant type: Deletion.
Coding change: c.8415_8416del on transcript NM_000059.4 (MANE Select); coding-DNA positions 8415 to 8416, 2 bases deleted (AT; older notation c.8415_8416delAT).
Protein change: p.Leu2805fs; shifts the reading frame from leucine 2805.
Molecular consequence: frameshift variant.
Genome position (GRCh38, 1-based): chr13:32,370,485-32,370,486, AT deleted; deleting any 2 consecutive bases within chr13:32,370,484-32,370,486 gives the same sequence; the c. name uses the placement nearest the transcript's 3' end. VCF-style (leftmost placement, unchanged base first): chr13-32370483-TTA-T. GRCh37 (hg19) VCF-style: chr13-32944620-TTA-T.
Other names: c.8415_8416delAT (NM_000059.3); short protein forms L2805fs.
Identifiers: ClinVar variation 52579 (VCV000052579.4), dbSNP rs397507402, ClinGen allele CA025631.